The following is an entry in ClinVar:

NM_005359.6(SMAD4):c.907C>T (p.Pro303Ser)

Gene: SMAD4 (SMAD family member 4; plus strand). Cytogenetic location: 18q21.2.
Variant type: single nucleotide variant.
Coding change: c.907C>T on transcript NM_005359.6 (MANE Select); coding-DNA position 907, C replaced by T.
Protein change: p.Pro303Ser; replaces proline 303 with serine.
Molecular consequence: missense variant.
Genome position (GRCh38, 1-based): chr18:51,059,868, C>T. VCF-style: chr18-51059868-C-T. GRCh37 (hg19) VCF-style: chr18-48586238-C-T.
Other names: short protein forms P303S.
Identifiers: ClinVar variation 822986 (VCV000822986.51), dbSNP rs1568206575, ClinGen allele CA402463640.
Genomic context (GRCh38, chr18:51,059,868, plus strand): 5'-TTTAGCATTAGACAACTTTTAGTAAATAAAAATGGAATTTTTGTTGTCTTTTCTTTAGGG[C>T]CTGTTCACAATGAGCTTGCATTCCAGCCTCCCATTTCCAATCATCCTGGTAAGTGTATTT-3'
Protein context (NP_005350.1, residues 293-313): PMPPHPGHYW[Pro303Ser]VHNELAFQPP

ClinVar aggregate classification (germline): Uncertain significance. Review status: criteria provided, multiple submitters, no conflicts (2 of 4 stars). 2 submissions from 2 submitters: Uncertain significance (2). Last evaluated 2024-05-31.

Conditions:
Familial thoracic aortic aneurysm and aortic dissection (TAAD). Also called: Thoracic aortic aneurysms and dissections. Identifiers: Orphanet 91387, MedGen C4707243, MONDO:0019625.
Hereditary cancer-predisposing syndrome. Also called: Hereditary Cancer Syndrome; Neoplastic Syndromes, Hereditary; Hereditary neoplastic syndrome; Tumor predisposition. Identifiers: Orphanet 140162, MedGen C0027672, MeSH D009386, MONDO:0015356.
Juvenile polyposis syndrome (JPS). Identifiers: Orphanet 2929, MedGen C0345893, MONDO:0017380, OMIM 174900.

Submissions (2):

Labcorp Genetics (formerly Invitae), Labcorp
Classification: Uncertain significance for Juvenile polyposis syndrome. Last evaluated: 2024-05-31. Review status: criteria provided, single submitter. Criteria: Invitae Variant Classification Sherloc (09022015). Collection method: clinical testing. Allele origin: germline.
Comment: This sequence change replaces proline, which is neutral and non-polar, with serine, which is neutral and polar, at codon 303 of the SMAD4 protein (p.Pro303Ser). This variant is not present in population databases (gnomAD no frequency). This variant has not been reported in the literature in individuals affected with SMAD4-related conditions. ClinVar contains an entry for this variant (Variation ID: 822986). An algorithm developed to predict the effect of missense changes on protein structure and function (PolyPhen-2) suggests that this variant is likely to be tolerated. In summary, the available evidence is currently insufficient to determine the role of this variant in disease. Therefore, it has been classified as a Variant of Uncertain Significance.

Ambry Genetics
Classification: Uncertain significance for Hereditary cancer-predisposing syndrome; Familial thoracic aortic aneurysm and aortic dissection. Last evaluated: 2019-04-19. Review status: criteria provided, single submitter. Criteria: Ambry Variant Classification Scheme 2023. Collection method: clinical testing. Allele origin: germline.
Comment: The p.P303S variant (also known as c.907C>T), located in coding exon 7 of the SMAD4 gene, results from a C to T substitution at nucleotide position 907. The proline at codon 303 is replaced by serine, an amino acid with similar properties. This amino acid position is highly conserved in available vertebrate species. In addition, the in silico prediction for this alteration is inconclusive. Since supporting evidence is limited at this time, the clinical significance of this alteration remains unclear.